The following is an entry in ClinVar:

NM_139057.4(ADAMTS17):c.1721+1G>A

Genes: ADAMTS17 (ADAM metallopeptidase with thrombospondin type 1 motif 17; minus strand), LOC130058037 (ATAC-STARR-seq lymphoblastoid active region 10166; plus strand). Cytogenetic location: 15q26.3.
Variant type: single nucleotide variant.
Coding change: c.1721+1G>A on transcript NM_139057.4 (MANE Select); the canonical splice donor site of the intron after coding-DNA position 1721, G replaced by A.
Molecular consequence: splice donor variant.
Genome position (GRCh38, 1-based): chr15:100,132,006, C>T on the plus strand (G>A on the coding strand, the complement: ADAMTS17 is on the minus strand). VCF-style: chr15-100132006-C-T. GRCh37 (hg19) VCF-style: chr15-100672211-C-T.
Other names: IVS12, G-A, +1.
Identifiers: ClinVar variation 3155 (VCV000003155.6), dbSNP rs749116256, ClinGen allele CA7758110.

ClinVar aggregate classification (germline): Pathogenic/Likely pathogenic. Review status: criteria provided, multiple submitters, no conflicts (2 of 4 stars). 4 submissions from 4 submitters: Pathogenic (2); Likely pathogenic (1). 1 of the submissions does not count toward it. Last evaluated 2024-09-14.

Conditions:
Weill-Marchesani 4 syndrome, recessive. Also called: Weill-Marchesani syndrome 4. Identifiers: Orphanet 363992, MedGen C2750787, MONDO:0013176, OMIM 613195.

Allele frequency attached by ClinVar (database versions not stated): ExAC 0.00002; gnomAD 0.00002 and 0.00003; gnomAD exomes 0.00003; TOPMed 0.00004.
gnomAD v4.1: 47 of 1,613,976 alleles (0.0029%); highest among the groups gnomAD compares: Non-Finnish European, 0.0036%; no homozygotes.

Submissions (4):

Labcorp Genetics (formerly Invitae), Labcorp
Classification: Likely pathogenic. Last evaluated: 2024-09-14. Review status: criteria provided, single submitter. Criteria: Invitae Variant Classification Sherloc (09022015). Collection method: clinical testing. Allele origin: germline.
Comment: This sequence change affects a donor splice site in intron 12 of the ADAMTS17 gene. RNA analysis indicates that disruption of this splice site induces altered splicing and may result in an absent or altered protein product. This variant is present in population databases (rs749116256, gnomAD 0.006%). Disruption of this splice site has been observed in individual(s) with clinical features consistent with Weill-Marchesani-like syndrome (PMID: 19836009). ClinVar contains an entry for this variant (Variation ID: 3155). Studies have shown that disruption of this splice site results in skipping of exon 12, and produces a non-functional protein and/or introduces a premature termination codon (PMID: 19836009). In summary, the currently available evidence indicates that the variant is pathogenic, but additional data are needed to prove that conclusively. Therefore, this variant has been classified as Likely Pathogenic.

Genomic Medicine Center of Excellence, King Faisal Specialist Hospital and Research Centre
Classification: Pathogenic for Weill-Marchesani 4 syndrome, recessive. Last evaluated: 2024-03-29. Review status: criteria provided, single submitter. Criteria: ACMG Guidelines, 2015. Collection method: clinical testing. Allele origin: germline.

Laboratory of Molecular and Physiopathological Bases of Osteochondrodysplasia, Imagine Institute
Classification: Pathogenic for Weill-Marchesani 4 syndrome, recessive. Last evaluated: 2023-06-29. Review status: criteria provided, single submitter. Criteria: ACMG Guidelines, 2015. Collection method: clinical testing. Allele origin: unknown. Affected: yes. Observed: 1 variant allele.

OMIM
Classification: Pathogenic for WEILL-MARCHESANI SYNDROME 4. Last evaluated: 2009-11-01. Review status: no assertion criteria provided. Collection method: literature only. Allele origin: germline. Not counted in ClinVar's aggregate classification.

Literature cited by the submitters: PubMed 19836009 (cited by Labcorp Genetics (formerly Invitae), Labcorp and OMIM).